The following is an entry in ClinVar:

ClinVar aggregate classification (germline): Likely benign. Review status: criteria provided, multiple submitters, no conflicts (2 of 4 stars). 2 submissions from 2 submitters: Likely benign (2). Last evaluated 2026-02-18.

Conditions:
MYO5B-related disorder. Also called: MYO5B-related condition.

Allele frequency attached by ClinVar (database versions not stated): ExAC 0.00002; gnomAD exomes 0.00002; TOPMed 0.00003; gnomAD 0.00004; ESP Exome Variant Server 0.00008.
gnomAD v4.1: 37 of 1,614,054 alleles (0.0023%); highest among the groups gnomAD compares: Admixed American, 0.013%; no homozygotes.

Submissions (2):

PreventionGenetics, part of Exact Sciences
Classification: Likely benign for MYO5B-related condition. Last evaluated: 2026-02-18. Review status: criteria provided, single submitter. Criteria: ACMG Guidelines, 2015. Collection method: clinical testing. Allele origin: germline.
Comment: This variant is classified as likely benign based on ACMG/AMP sequence variant interpretation guidelines (Richards et al. 2015 PMID: 25741868, with internal and published modifications).

Labcorp Genetics (formerly Invitae), Labcorp
Classification: Likely benign. Last evaluated: 2025-11-24. Review status: criteria provided, single submitter. Criteria: Invitae Variant Classification Sherloc (09022015). Collection method: clinical testing. Allele origin: germline.

NM_001080467.3(MYO5B):c.1200G>A (p.Ala400=)

Gene: MYO5B (myosin VB; minus strand). Cytogenetic location: 18q21.1.
Variant type: single nucleotide variant.
Coding change: c.1200G>A on transcript NM_001080467.3 (MANE Select); coding-DNA position 1200, G replaced by A.
Protein change: p.Ala400=; no amino-acid change (alanine 400 retained).
Molecular consequence: synonymous variant.
Genome position (GRCh38, 1-based): chr18:49,974,472, C>T on the plus strand (G>A on the coding strand, the complement: MYO5B is on the minus strand). VCF-style: chr18-49974472-C-T. GRCh37 (hg19) VCF-style: chr18-47500842-C-T.
Other names: c.1200G>A (NM_001080467.2).
Identifiers: ClinVar variation 2191621 (VCV002191621.5), dbSNP rs374036327, ClinGen allele CA8961614.